The following is an entry in ClinVar:

NM_001356.5(DDX3X):c.227G>A (p.Ser76Asn)

Gene: DDX3X (DEAD-box helicase 3 X-linked; plus strand). Cytogenetic location: Xp11.4.
Variant type: single nucleotide variant.
Coding change: c.227G>A on transcript NM_001356.5 (MANE Select); coding-DNA position 227, G replaced by A.
Protein change: p.Ser76Asn; replaces serine 76 with asparagine.
Molecular consequence: missense variant. On other transcripts: 5 prime UTR variant (1), non-coding transcript variant (1).
Genome position (GRCh38, 1-based): chrX:41,341,559, G>A. VCF-style: chrX-41341559-G-A. GRCh37 (hg19) VCF-style: chrX-41200812-G-A.
Other names: c.227G>A, p.Ser76Asn (NM_001193416.3); c.179G>A, p.Ser60Asn (NM_001193417.3); c.-332G>A (NM_001363819.1); short protein forms S60N, S76N.
Identifiers: ClinVar variation 2715451 (VCV002715451.3), dbSNP rs2519505476, ClinGen allele CA412764976.

ClinVar aggregate classification (germline): Uncertain significance (1 of 4 stars; one submission).

Submission:

Labcorp Genetics (formerly Invitae), Labcorp
Classification: Uncertain significance. Last evaluated: 2023-06-30. Review status: criteria provided, single submitter. Criteria: Invitae Variant Classification Sherloc (09022015). Collection method: clinical testing. Allele origin: germline.
Comment: This sequence change replaces serine, which is neutral and polar, with asparagine, which is neutral and polar, at codon 76 of the DDX3X protein (p.Ser76Asn). This variant is not present in population databases (gnomAD no frequency). This variant has not been reported in the literature in individuals affected with DDX3X-related conditions. Algorithms developed to predict the effect of missense changes on protein structure and function output the following: SIFT: "Not Available"; PolyPhen-2: "Not Available"; Align-GVGD: "Not Available". The asparagine amino acid residue is found in multiple mammalian species, which suggests that this missense change does not adversely affect protein function. In summary, the available evidence is currently insufficient to determine the role of this variant in disease. Therefore, it has been classified as a Variant of Uncertain Significance.